The following is an entry in ClinVar:

ClinVar aggregate classification (germline): Benign/Likely benign. Review status: criteria provided, multiple submitters, no conflicts (2 of 4 stars). 3 submissions from 3 submitters: Benign (1); Likely benign (1). 1 of the submissions does not count toward it. Last evaluated 2024-10-22.

Conditions:
FAM83H-related disorder. Also called: FAM83H-related condition.

Allele frequency attached by ClinVar (database versions not stated): TOPMed 0.00065; gnomAD 0.00066; gnomAD exomes 0.00125; ExAC 0.00295.
gnomAD v4.1: 756 of 1,533,918 alleles (0.049%); highest among the groups gnomAD compares: Admixed American, 0.018%; 7 homozygotes.

Submissions (3):

Blueprint Genetics
Classification: Likely benign. Last evaluated: 2024-10-22. Review status: criteria provided, single submitter. Criteria: ACMG Guidelines, 2015. Collection method: clinical testing. Allele origin: germline.

Labcorp Genetics (formerly Invitae), Labcorp
Classification: Benign. Last evaluated: 2018-03-29. Review status: criteria provided, single submitter. Criteria: Invitae Variant Classification Sherloc (09022015). Collection method: clinical testing. Allele origin: germline.

PreventionGenetics, part of Exact Sciences
Classification: Benign for FAM83H-related condition. Last evaluated: 2020-07-20. Review status: no assertion criteria provided. Collection method: clinical testing. Allele origin: germline. Not counted in ClinVar's aggregate classification.
Comment: This variant is classified as benign based on ACMG/AMP sequence variant interpretation guidelines (Richards et al. 2015 PMID: 25741868, with internal and published modifications).

NM_198488.5(SACK1H):c.2236C>T (p.Arg746Cys)

Gene: SACK1H (scaffolding CK1 anchoring protein H; minus strand). Cytogenetic location: 8q24.3.
Variant type: single nucleotide variant.
Coding change: c.2236C>T on transcript NM_198488.5 (MANE Select); coding-DNA position 2236, C replaced by T.
Protein change: p.Arg746Cys; replaces arginine 746 with cysteine.
Molecular consequence: missense variant.
Genome position (GRCh38, 1-based): chr8:143,727,225, G>A on the plus strand (C>T on the coding strand, the complement: SACK1H is on the minus strand). VCF-style: chr8-143727225-G-A. GRCh37 (hg19) VCF-style: chr8-144809395-G-A.
Other names: short protein forms R746C.
Identifiers: ClinVar variation 737442 (VCV000737442.6), dbSNP rs782323204, ClinGen allele CA4917265.